The following is an entry in ClinVar:

NM_000548.5(TSC2):c.2756A>G (p.Asn919Ser)

Gene: TSC2 (TSC complex subunit 2; plus strand). Cytogenetic location: 16p13.3.
Variant type: single nucleotide variant.
Coding change: c.2756A>G on transcript NM_000548.5 (MANE Select); coding-DNA position 2756, A replaced by G.
Protein change: p.Asn919Ser; replaces asparagine 919 with serine.
Molecular consequence: missense variant.
Genome position (GRCh38, 1-based): chr16:2,076,504, A>G. VCF-style: chr16-2076504-A-G. GRCh37 (hg19) VCF-style: chr16-2126505-A-G.
Other names: p.N919S:AAT>AGT; c.2756A>G, p.Asn919Ser (NM_001077183.3, NM_001114382.3, NM_001363528.2 and 3 more transcripts); c.2645A>G, p.Asn882Ser (NM_001318827.2); c.2609A>G, p.Asn870Ser (NM_001318829.2); c.2156A>G, p.Asn719Ser (NM_001318831.2); c.2789A>G, p.Asn930Ser (NM_001318832.2); short protein forms N919S, N882S, N930S, N719S, N870S.
Identifiers: ClinVar variation 207735 (VCV000207735.26), dbSNP rs780057014, ClinGen allele CA041783.

ClinVar aggregate classification (germline): Conflicting classifications of pathogenicity. Review status: criteria provided, conflicting classifications (1 of 4 stars). 7 submissions from 7 submitters: Uncertain significance (3); Likely benign (4). Last evaluated 2026-03-04.

Conditions:
Isolated focal cortical dysplasia type II (FCORD2). Also called: CORTICAL DYSPLASIA OF TAYLOR; Focal cortical dysplasia type II. Identifiers: Orphanet 268994, MedGen C1846385, MONDO:0011818, OMIM 607341, HP:0032051.
Lymphangiomyomatosis (LAM). Also called: Lymphangioleiomyomatosis, somatic; Lymphangioleiomyomatosis. Identifiers: Orphanet 538, MedGen C0751674, MONDO:0011705, OMIM 606690.
Tuberous sclerosis 2 (TSC2). Identifiers: Orphanet 805, MedGen C1860707, MONDO:0013199, OMIM 613254.
Hereditary cancer-predisposing syndrome. Also called: Tumor predisposition; Hereditary neoplastic syndrome; Neoplastic Syndromes, Hereditary; Hereditary Cancer Syndrome. Identifiers: Orphanet 140162, MedGen C0027672, MeSH D009386, MONDO:0015356.
Tuberous sclerosis syndrome (TSC). Also called: Tuberous sclerosis; Tuberous Sclerosis Complex. Identifiers: Orphanet 805, MedGen C0041341, MONDO:0001734.

Allele frequency attached by ClinVar (database versions not stated): gnomAD exomes 0.00001 and 0.00002; TOPMed below 0.00001; ExAC 0.00001; gnomAD 0.00001.
gnomAD v4.1: 15 of 1,613,328 alleles (0.00093%); highest among the groups gnomAD compares: Admixed American, 0.0017%; no homozygotes.

Submissions (7):

Ambry Genetics
Classification: Likely benign for Hereditary cancer-predisposing syndrome. Last evaluated: 2026-03-04. Review status: criteria provided, single submitter. Criteria: Ambry Variant Classification Scheme 2023. Collection method: clinical testing. Allele origin: germline.

Labcorp Genetics (formerly Invitae), Labcorp
Classification: Likely benign for Tuberous sclerosis 2. Last evaluated: 2025-12-31. Review status: criteria provided, single submitter. Criteria: Invitae Variant Classification Sherloc (09022015). Collection method: clinical testing. Allele origin: germline.

Color Diagnostics, LLC DBA Color Health
Classification: Uncertain significance for Tuberous sclerosis syndrome. Last evaluated: 2025-06-19. Review status: criteria provided, single submitter. Criteria: ACMG Guidelines, 2015. Collection method: clinical testing. Allele origin: germline.
Comment: This missense variant replaces asparagine with serine at codon 919 of the TSC2 protein. Computational prediction is inconclusive regarding the impact of this variant on protein structure and function. A functional study has shown that this variant leads to an increased level of phosphorylated S6K and 4EBP1 proteins, indicating that it compromises the repressive effect of TSC2 on mTOR kinase activity (PMID: 36229297). This variant has been reported in an individual with pancreatic neuroendocrine tumor (PMID: 32451928) and in an individual with premature ovarian insufficiency (PMID: 36229297). This variant has been identified in 6/282252 chromosomes in the general population by the Genome Aggregation Database (gnomAD). The available evidence is insufficient to determine the role of this variant in disease conclusively. Therefore, this variant is classified as a Variant of Uncertain Significance.

All of Us Research Program, National Institutes of Health
Classification: Uncertain significance for Tuberous sclerosis syndrome. Last evaluated: 2024-09-23. Review status: criteria provided, single submitter. Criteria: ACMG Guidelines, 2015. Collection method: clinical testing. Allele origin: germline. Inheritance: Autosomal dominant inheritance. Observed: 4 variant alleles, 4 heterozygotes.
Comment: This missense variant replaces asparagine with serine at codon 919 of the TSC2 protein. Computational prediction is inconclusive regarding the impact of this variant on protein structure and function (internally defined REVEL score threshold 0.5 < inconclusive < 0.7, PMID: 27666373). A functional study showed that this variant increased the activation of S6K by 0.5 fold compared to wild-type TSC2 (PMID: 36229297). This variant has been reported in individuals affected with pancreatic neuroendocrine tumors and primary ovarian insufficiency (PMID: 32451928 , 36229297). This variant has been identified in 6/282252 chromosomes in the general population by the Genome Aggregation Database (gnomAD). The available evidence is insufficient to determine the role of this variant in disease conclusively. Therefore, this variant is classified as a Variant of Uncertain Significance.

This study involves interpretation of variants in research participants for the purpose of population health screening. Participant phenotype was not available at the time of variant classification. Additional details can be found in publication PMID: 35346344, PMCID: PMC8962531

Fulgent Genetics
Classification: Likely benign for Lymphangiomyomatosis; Isolated focal cortical dysplasia type II; Tuberous sclerosis 2. Last evaluated: 2024-01-09. Review status: criteria provided, single submitter. Criteria: ACMG Guidelines, 2015. Collection method: clinical testing. Allele origin: germline.

Genome-Nilou Lab
Classification: Likely benign for Tuberous sclerosis 2. Last evaluated: 2021-11-07. Review status: criteria provided, single submitter. Criteria: ACMG Guidelines, 2015. Collection method: clinical testing. Allele origin: germline. Affected: no.

GeneDx
Classification: Uncertain significance. Last evaluated: 2021-09-08. Review status: criteria provided, single submitter. Criteria: GeneDx Variant Classification Process June 2021. Collection method: clinical testing. Allele origin: germline. Affected: yes.
Comment: In silico analysis supports that this missense variant has a deleterious effect on protein structure/function; Has not been previously published as pathogenic or benign to our knowledge

Literature cited by the submitters: PubMed 32451928 (cited by Color Diagnostics, LLC DBA Color Health and All of Us Research Program, National Institutes of Health); PubMed 36229297 (cited by Color Diagnostics, LLC DBA Color Health and All of Us Research Program, National Institutes of Health).